The following is an entry in ClinVar:

NM_001017980.4(VMA21):c.57T>G (p.Asn19Lys)

Gene: VMA21 (vacuolar ATPase assembly factor VMA21; plus strand). Cytogenetic location: Xq28.
Variant type: single nucleotide variant.
Coding change: c.57T>G on transcript NM_001017980.4 (MANE Select); coding-DNA position 57, T replaced by G.
Protein change: p.Asn19Lys; replaces asparagine 19 with lysine.
Molecular consequence: missense variant.
Genome position (GRCh38, 1-based): chrX:151,403,634, T>G. VCF-style: chrX-151403634-T-G. GRCh37 (hg19) VCF-style: chrX-150572106-T-G.
Other names: c.222T>G, p.Asn74Lys (NM_001363810.1); short protein forms N19K, N74K.
Identifiers: ClinVar variation 2862881 (VCV002862881.3), dbSNP rs1402497520, ClinGen allele CA415270874.

ClinVar aggregate classification (germline): Uncertain significance (1 of 4 stars; one submission).

Conditions:
X-linked myopathy with excessive autophagy (AVM). Also called: Vacuolar myopathy; Autophagic vacuolar myopathy. Identifiers: Orphanet 25980, MedGen C1839615, MONDO:0010684, OMIM 310440.

Submission:

Labcorp Genetics (formerly Invitae), Labcorp
Classification: Uncertain significance for X-linked myopathy with excessive autophagy. Last evaluated: 2023-05-09. Review status: criteria provided, single submitter. Criteria: Invitae Variant Classification Sherloc (09022015). Collection method: clinical testing. Allele origin: germline.
Comment: This sequence change replaces asparagine, which is neutral and polar, with lysine, which is basic and polar, at codon 19 of the VMA21 protein (p.Asn19Lys). This variant is not present in population databases (gnomAD no frequency). This variant has not been reported in the literature in individuals affected with VMA21-related conditions. An algorithm developed to predict the effect of missense changes on protein structure and function (PolyPhen-2) suggests that this variant is likely to be tolerated. In summary, the available evidence is currently insufficient to determine the role of this variant in disease. Therefore, it has been classified as a Variant of Uncertain Significance.